The following is an entry in ClinVar:

NM_000026.4(ADSL):c.1414T>C (p.Tyr472His)

Gene: ADSL (adenylosuccinate lyase; plus strand). Cytogenetic location: 22q13.1.
Variant type: single nucleotide variant.
Coding change: c.1414T>C on transcript NM_000026.4 (MANE Select); coding-DNA position 1414, T replaced by C.
Protein change: p.Tyr472His; replaces tyrosine 472 with histidine.
Molecular consequence: missense variant. On other transcripts: non-coding transcript variant (1).
Genome position (GRCh38, 1-based): chr22:40,366,481, T>C. VCF-style: chr22-40366481-T-C. GRCh37 (hg19) VCF-style: chr22-40762485-T-C.
Other names: c.1237T>C, p.Tyr413His (NM_001123378.3); c.1222T>C, p.Tyr408His (NM_001317923.2); c.1414T>C, p.Tyr472His (NM_001363840.3); short protein forms Y472H, Y408H, Y413H.
Identifiers: ClinVar variation 383946 (VCV000383946.3), dbSNP rs1057521795, ClinGen allele CA16608676.

ClinVar aggregate classification (germline): Conflicting classifications of pathogenicity. Review status: criteria provided, conflicting classifications (1 of 4 stars). 2 submissions from 2 submitters: Likely pathogenic (1); Uncertain significance (1). Last evaluated 2023-08-09.

Allele frequency attached by ClinVar (database versions not stated): gnomAD exomes below 0.00001; gnomAD 0.00001; TOPMed 0.00001.
gnomAD v4.1: 5 of 1,613,554 alleles (0.00031%); highest among the groups gnomAD compares: African/African-American, 0.0013%; no homozygotes.

Submissions (2):

Blueprint Genetics
Classification: Uncertain significance. Last evaluated: 2023-08-09. Review status: criteria provided, single submitter. Criteria: ACMG Guidelines, 2015. Collection method: clinical testing. Allele origin: germline.

GeneDx
Classification: Likely pathogenic. Last evaluated: 2016-03-22. Review status: criteria provided, single submitter. Criteria: GeneDx Variant Classification (06012015). Collection method: clinical testing. Allele origin: germline. Affected: yes.
Comment: The Y472H variant in the ADSL gene has not been reported previously as a pathogenic variant, nor as a benign variant, to our knowledge. The Y472H variant was not observed in approximately 6500 individuals of European and African American ancestry in the NHLBI Exome Sequencing Project, indicating it is not a common benign variant in these populations. The Y472H variant is a non-conservative amino acid substitution, which is likely to impact secondary protein structure as these residues differ in polarity, charge, size and/or other properties. This substitution occurs at a position that is conserved across species. In silico analysis is inconsistent in its predictions as to whether or not the variant is damaging to the protein structure/function. Therefore, we interpret Y472H as a likely pathogenic variant, however the possibility it may be a rare benign variant cannot be excluded.